The following is an entry in ClinVar:

NM_007255.3(B4GALT7):c.522C>G (p.Asp174Glu)

Gene: B4GALT7 (beta-1,4-galactosyltransferase 7; plus strand). Cytogenetic location: 5q35.3.
Variant type: single nucleotide variant.
Coding change: c.522C>G on transcript NM_007255.3 (MANE Select); coding-DNA position 522, C replaced by G.
Protein change: p.Asp174Glu; replaces aspartic acid 174 with glutamic acid.
Molecular consequence: missense variant.
Genome position (GRCh38, 1-based): chr5:177,607,410, C>G. VCF-style: chr5-177607410-C-G. GRCh37 (hg19) VCF-style: chr5-177034411-C-G.
Other names: short protein forms D174E.
Identifiers: ClinVar variation 2090809 (VCV002090809.4), dbSNP rs775207945, ClinGen allele CA362375451.

ClinVar aggregate classification (germline): Uncertain significance (1 of 4 stars; one submission).

Conditions:
Spondylodysplastic Ehlers-Danlos syndrome. Identifiers: Orphanet 536471, Orphanet 75496, MedGen C5680154, MONDO:0007526.

gnomAD v4.1: 2 of 1,614,128 alleles (0.00012%); highest among the groups gnomAD compares: Non-Finnish European, 0.00017%; no homozygotes.

Submission:

Labcorp Genetics (formerly Invitae), Labcorp
Classification: Uncertain significance for Spondylodysplastic Ehlers-Danlos syndrome. Last evaluated: 2022-09-06. Review status: criteria provided, single submitter. Criteria: Invitae Variant Classification Sherloc (09022015). Collection method: clinical testing. Allele origin: germline.
Comment: In summary, the available evidence is currently insufficient to determine the role of this variant in disease. Therefore, it has been classified as a Variant of Uncertain Significance. Algorithms developed to predict the effect of sequence changes on RNA splicing suggest that this variant may create or strengthen a splice site. Algorithms developed to predict the effect of missense changes on protein structure and function are either unavailable or do not agree on the potential impact of this missense change (SIFT: "Tolerated"; PolyPhen-2: "Probably Damaging"; Align-GVGD: "Class C0"). This variant has not been reported in the literature in individuals affected with B4GALT7-related conditions. This variant is present in population databases (no rsID available, gnomAD 0.0009%). This sequence change replaces aspartic acid, which is acidic and polar, with glutamic acid, which is acidic and polar, at codon 174 of the B4GALT7 protein (p.Asp174Glu).